The following is an entry in ClinVar:

ClinVar aggregate classification (germline): Benign/Likely benign. Review status: criteria provided, multiple submitters, no conflicts (2 of 4 stars). 4 submissions from 4 submitters: Benign (2); Likely benign (2). Last evaluated 2026-04-23.

Conditions:
Colorectal cancer, susceptibility to, 1. Also called: COLORECTAL ADENOMA AND CANCER, SUSCEPTIBILITY TO; COLORECTAL CANCER, SUSCEPTIBILITY TO, ON CHROMOSOME 9. Identifiers: MedGen C1837315, MONDO:0012132, OMIM 608812.

Allele frequency attached by ClinVar (database versions not stated): TOPMed 0.00005; gnomAD exomes 0.00003 and 0.00001; gnomAD 0.00009; ESP Exome Variant Server 0.00015; ExAC 0.00006; 1000 Genomes Project 30x 0.00016; 1000 Genomes Project 0.00020.
gnomAD v4.1: 29 of 1,611,156 alleles (0.0018%); highest among the groups gnomAD compares: African/African-American, 0.037%; no homozygotes.

Submissions (4):

Myriad Genetics, Inc.
Classification: Benign for Colorectal cancer, susceptibility to, 1. Last evaluated: 2026-04-23. Review status: criteria provided, single submitter. Criteria: Myriad Autosomal Dominant, Autosomal Recessive and X-Linked Classification Criteria (2023). Collection method: clinical testing. Allele origin: unknown.
Comment: This variant is considered benign. This variant is a silent/synonymous amino acid change and it is not expected to impact splicing.

Labcorp Genetics (formerly Invitae), Labcorp
Classification: Likely benign. Last evaluated: 2025-11-24. Review status: criteria provided, single submitter. Criteria: Invitae Variant Classification Sherloc (09022015). Collection method: clinical testing. Allele origin: germline.

Quest Diagnostics Nichols Institute San Juan Capistrano
Classification: Benign. Last evaluated: 2021-08-11. Review status: criteria provided, single submitter. Criteria: Quest Diagnostics criteria. Collection method: clinical testing. Allele origin: unknown.

Ambry Genetics
Classification: Likely benign. Last evaluated: 2020-05-19. Review status: criteria provided, single submitter. Criteria: Ambry Variant Classification Scheme 2023. Collection method: clinical testing. Allele origin: germline.

NM_024642.5(GALNT12):c.546C>T (p.His182=)

Gene: GALNT12 (polypeptide N-acetylgalactosaminyltransferase 12; plus strand). Cytogenetic location: 9q22.33.
Variant type: single nucleotide variant.
Coding change: c.546C>T on transcript NM_024642.5 (MANE Select); coding-DNA position 546, C replaced by T.
Protein change: p.His182=; no amino-acid change (histidine 182 retained).
Molecular consequence: synonymous variant.
Genome position (GRCh38, 1-based): chr9:98,826,756, C>T. VCF-style: chr9-98826756-C-T. GRCh37 (hg19) VCF-style: chr9-101589038-C-T.
Identifiers: ClinVar variation 1156841 (VCV001156841.13), dbSNP rs142210894, ClinGen allele CA5153985.